The following is an entry in ClinVar:

ClinVar aggregate classification (germline): Uncertain significance (1 of 4 stars; one submission).

Submission:

Ambry Genetics
Classification: Uncertain significance. Last evaluated: 2025-01-04. Review status: criteria provided, single submitter. Criteria: Ambry Variant Classification Scheme 2023. Collection method: clinical testing. Allele origin: germline.
Comment: The p.A734E variant (also known as c.2201C>A), located in coding exon 15 of the CTNNA3 gene, results from a C to A substitution at nucleotide position 2201. The alanine at codon 734 is replaced by glutamic acid, an amino acid with dissimilar properties. This amino acid position is conserved. In addition, this alteration is predicted to be deleterious by in silico analysis. Based on the available evidence, the clinical significance of this variant remains unclear.

NM_013266.4(CTNNA3):c.2201C>A (p.Ala734Glu)

Gene: CTNNA3 (catenin alpha 3; minus strand). Cytogenetic location: 10q21.3.
Variant type: single nucleotide variant.
Coding change: c.2201C>A on transcript NM_013266.4 (MANE Select); coding-DNA position 2201, C replaced by A.
Protein change: p.Ala734Glu; replaces alanine 734 with glutamic acid.
Molecular consequence: missense variant.
Genome position (GRCh38, 1-based): chr10:65,988,756, G>T on the plus strand (C>A on the coding strand, the complement: CTNNA3 is on the minus strand). VCF-style: chr10-65988756-G-T. GRCh37 (hg19) VCF-style: chr10-67748514-G-T.
Other names: c.2201C>A, p.Ala734Glu (NM_001127384.3); short protein forms A734E.
Identifiers: ClinVar variation 3837208 (VCV003837208.1).